The following is an entry in ClinVar:

NM_001042681.2(RERE):c.3437G>A (p.Arg1146Gln)

Gene: RERE (arginine-glutamic acid dipeptide repeats; minus strand). Cytogenetic location: 1p36.23.
Variant type: single nucleotide variant.
Coding change: c.3437G>A on transcript NM_001042681.2 (MANE Select); coding-DNA position 3437, G replaced by A.
Protein change: p.Arg1146Gln; replaces arginine 1146 with glutamine.
Molecular consequence: missense variant.
Genome position (GRCh38, 1-based): chr1:8,359,945, C>T on the plus strand (G>A on the coding strand, the complement: RERE is on the minus strand). VCF-style: chr1-8359945-C-T. GRCh37 (hg19) VCF-style: chr1-8420005-C-T.
Other names: c.1775G>A, p.Arg592Gln (NM_001042682.2); c.3437G>A, p.Arg1146Gln (NM_012102.4); short protein forms R1146Q, R592Q.
Identifiers: ClinVar variation 1691613 (VCV001691613.30), dbSNP rs2124364640, ClinGen allele CA338170581.

ClinVar aggregate classification (germline): Conflicting classifications of pathogenicity. Review status: criteria provided, conflicting classifications (1 of 4 stars). 3 submissions from 3 submitters: Likely pathogenic (2); Uncertain significance (1). Last evaluated 2026-09-20.

Conditions:
Neurodevelopmental disorder with or without anomalies of the brain, eye, or heart (NEDBEH). Identifiers: Orphanet 494344, MedGen C5567477, MONDO:0014857, OMIM 616975.

Allele frequency attached by ClinVar (database versions not stated): gnomAD exomes below 0.00001.
gnomAD v4.1: 1 of 1,613,198 alleles (0.000062%); highest among the groups gnomAD compares: Non-Finnish European, 0.000085%; no homozygotes.

Submissions (3):

GeneDx
Classification: Likely pathogenic. Last evaluated: 2026-09-20. Review status: criteria provided, single submitter. Criteria: GeneDx Variant Classification Process June 2021. Collection method: clinical testing. Allele origin: germline.
Comment: Not observed at significant frequency in large population cohorts (gnomAD); Has not been previously published as pathogenic or benign to our knowledge; In silico analysis supports that this missense variant has a deleterious effect on protein structure/function

Daryl Scott Lab, Baylor College of Medicine
Classification: Likely pathogenic for Neurodevelopmental disorder with or without anomalies of the brain, eye, or heart. Last evaluated: 2025-08-05. Review status: criteria provided, single submitter. Criteria: ACMG Guidelines, 2015. Collection method: clinical testing. Allele origin: de novo. Affected: yes. Observed: 1 heterozygote.
Comment: PS2, PM2, PP3

CeGaT Center for Human Genetics Tuebingen
Classification: Uncertain significance. Last evaluated: 2023-11-01. Review status: criteria provided, single submitter. Criteria: CeGaT Center For Human Genetics Tuebingen Variant Classification Criteria Version 2. Collection method: clinical testing. Allele origin: germline. Affected: yes. Observed: 1 variant allele.
Comment: RERE: PM2